The following is an entry in ClinVar:

NM_014264.5(PLK4):c.8C>T (p.Thr3Ile)

Genes: PLK4 (polo like kinase 4; plus strand), LOC129993054 (ATAC-STARR-seq lymphoblastoid active region 21887; plus strand). Cytogenetic location: 4q28.1.
Variant type: single nucleotide variant.
Coding change: c.8C>T on transcript NM_014264.5 (MANE Select); coding-DNA position 8, C replaced by T.
Protein change: p.Thr3Ile; replaces threonine 3 with isoleucine.
Molecular consequence: missense variant.
Genome position (GRCh38, 1-based): chr4:127,881,142, C>T. VCF-style: chr4-127881142-C-T. GRCh37 (hg19) VCF-style: chr4-128802297-C-T.
Other names: c.8C>T, p.Thr3Ile (NM_001190799.2); short protein forms T3I.
Identifiers: ClinVar variation 2065038 (VCV002065038.4), dbSNP rs2546005243, ClinGen allele CA358166793.

ClinVar aggregate classification (germline): Uncertain significance (1 of 4 stars; one submission).

Submission:

Labcorp Genetics (formerly Invitae), Labcorp
Classification: Uncertain significance. Last evaluated: 2022-07-05. Review status: criteria provided, single submitter. Criteria: Invitae Variant Classification Sherloc (09022015). Collection method: clinical testing. Allele origin: germline.
Comment: This sequence change replaces threonine, which is neutral and polar, with isoleucine, which is neutral and non-polar, at codon 3 of the PLK4 protein (p.Thr3Ile). This variant is not present in population databases (gnomAD no frequency). This variant has not been reported in the literature in individuals affected with PLK4-related conditions. In summary, the available evidence is currently insufficient to determine the role of this variant in disease. Therefore, it has been classified as a Variant of Uncertain Significance. Algorithms developed to predict the effect of missense changes on protein structure and function are either unavailable or do not agree on the potential impact of this missense change (SIFT: "Tolerated"; PolyPhen-2: "Possibly Damaging"; Align-GVGD: "Class C0").